The following is an entry in ClinVar:

NM_002705.5(PPL):c.318T>C (p.Asp106=)

Gene: PPL (periplakin; minus strand). Cytogenetic location: 16p13.3.
Variant type: single nucleotide variant.
Coding change: c.318T>C on transcript NM_002705.5 (MANE Select); coding-DNA position 318, T replaced by C.
Protein change: p.Asp106=; no amino-acid change (aspartic acid 106 retained).
Molecular consequence: synonymous variant.
Genome position (GRCh38, 1-based): chr16:4,902,526, A>G on the plus strand (T>C on the coding strand, the complement: PPL is on the minus strand). VCF-style: chr16-4902526-A-G. GRCh37 (hg19) VCF-style: chr16-4952527-A-G.
Other names: c.318T>C (NM_002705.4).
Identifiers: ClinVar variation 2646173 (VCV002646173.25), dbSNP rs202220598, ClinGen allele CA7887113.

ClinVar aggregate classification (germline): Likely benign. Review status: criteria provided, multiple submitters, no conflicts (2 of 4 stars). 2 submissions from 2 submitters: Likely benign (2). Last evaluated 2023-11-20.

Allele frequency attached by ClinVar (database versions not stated): ExAC 0.00012; 1000 Genomes Project 30x 0.00016; 1000 Genomes Project 0.00020; TOPMed 0.00025; gnomAD 0.00027; gnomAD exomes 0.00034.
gnomAD v4.1: 541 of 1,613,120 alleles (0.034%); highest among the groups gnomAD compares: Non-Finnish European, 0.042%; no homozygotes.

Submissions (2):

Ambry Genetics
Classification: Likely benign. Last evaluated: 2023-11-20. Review status: criteria provided, single submitter. Criteria: Ambry Variant Classification Scheme 2023. Collection method: clinical testing. Allele origin: germline.

CeGaT Center for Human Genetics Tuebingen
Classification: Likely benign. Last evaluated: 2023-03-01. Review status: criteria provided, single submitter. Criteria: CeGaT Center For Human Genetics Tuebingen Variant Classification Criteria Version 2. Collection method: clinical testing. Allele origin: germline. Affected: yes. Observed: 1 variant allele.
Comment: PPL: BP4, BP7